The following is an entry in ClinVar:

ClinVar aggregate classification (germline): Pathogenic (1 of 4 stars; one submission).

Conditions:
Dilated cardiomyopathy 1DD (CMD1DD). Identifiers: Orphanet 154, MedGen C2750995, MONDO:0013168, OMIM 613172.

Submission:

Labcorp Genetics (formerly Invitae), Labcorp
Classification: Pathogenic for Dilated cardiomyopathy 1DD. Last evaluated: 2025-11-21. Review status: criteria provided, single submitter. Criteria: Invitae Variant Classification Sherloc (09022015). Collection method: clinical testing. Allele origin: germline.
Comment: This sequence change creates a premature translational stop signal (p.Glu763*) in the RBM20 gene. It is expected to result in an absent or disrupted protein product. Loss-of-function variants in RBM20 are known to be pathogenic (PMID: 20590677, 22004663, 38288598, 38510713, 40339755). This variant is not present in population databases (gnomAD no frequency). This variant has not been reported in the literature in individuals affected with RBM20-related conditions. ClinVar contains an entry for this variant (Variation ID: 3654251). For these reasons, this variant has been classified as Pathogenic.

Literature cited by the submitters: PubMed 20590677; PubMed 22004663; PubMed 38288598; PubMed 38510713; PubMed 40339755.

NM_001134363.3(RBM20):c.2287G>T (p.Glu763Ter)

Gene: RBM20 (RNA binding motif protein 20; plus strand). Cytogenetic location: 10q25.2.
Variant type: single nucleotide variant.
Coding change: c.2287G>T on transcript NM_001134363.3 (MANE Select); coding-DNA position 2287, G replaced by T.
Protein change: p.Glu763Ter; replaces glutamic acid 763 with a stop codon.
Molecular consequence: nonsense.
Genome position (GRCh38, 1-based): chr10:110,812,684, G>T. VCF-style: chr10-110812684-G-T. GRCh37 (hg19) VCF-style: chr10-112572442-G-T.
Other names: short protein forms E763*.
Identifiers: ClinVar variation 3654251 (VCV003654251.2).